The following is an entry in ClinVar:

ClinVar aggregate classification (germline): Uncertain significance (1 of 4 stars; one submission).

Submission:

Labcorp Genetics (formerly Invitae), Labcorp
Classification: Uncertain significance. Last evaluated: 2024-01-16. Review status: criteria provided, single submitter. Criteria: Invitae Variant Classification Sherloc (09022015). Collection method: clinical testing. Allele origin: germline.
Comment: This sequence change replaces cysteine, which is neutral and slightly polar, with tryptophan, which is neutral and slightly polar, at codon 130 of the SERPING1 protein (p.Cys130Trp). This variant is not present in population databases (gnomAD no frequency). This missense change has been observed in individual(s) with hereditary angioedema (PMID: 31517426). Advanced modeling of protein sequence and biophysical properties (such as structural, functional, and spatial information, amino acid conservation, physicochemical variation, residue mobility, and thermodynamic stability) performed at Invitae indicates that this missense variant is expected to disrupt SERPING1 protein function with a positive predictive value of 80%. In summary, the available evidence is currently insufficient to determine the role of this variant in disease. Therefore, it has been classified as a Variant of Uncertain Significance.

Literature cited by the submitters: PubMed 31517426.

NM_000062.3(SERPING1):c.390C>G (p.Cys130Trp)

Gene: SERPING1 (serpin family G member 1; plus strand). Cytogenetic location: 11q12.1.
Variant type: single nucleotide variant.
Coding change: c.390C>G on transcript NM_000062.3 (MANE Select); coding-DNA position 390, C replaced by G.
Protein change: p.Cys130Trp; replaces cysteine 130 with tryptophan.
Molecular consequence: missense variant.
Genome position (GRCh38, 1-based): chr11:57,600,217, C>G. VCF-style: chr11-57600217-C-G. GRCh37 (hg19) VCF-style: chr11-57367690-C-G.
Other names: c.390C>G, p.Cys130Trp (NM_001032295.2); short protein forms C130W.
Identifiers: ClinVar variation 2707691 (VCV002707691.3), dbSNP rs2495426358, ClinGen allele CA380695261.